The following is an entry in ClinVar:

ClinVar aggregate classification (germline): Likely benign (1 of 4 stars; one submission).

Allele frequency attached by ClinVar (database versions not stated): TOPMed 0.00063; ESP Exome Variant Server 0.00067; gnomAD 0.00071; gnomAD exomes 0.00111; ExAC 0.00158.
gnomAD v4.1: 1,254 of 1,184,289 alleles (0.11%); highest among the groups gnomAD compares: Non-Finnish European, 0.13%; no homozygotes.

Submission:

CeGaT Center for Human Genetics Tuebingen
Classification: Likely benign. Last evaluated: 2023-04-01. Review status: criteria provided, single submitter. Criteria: CeGaT Center For Human Genetics Tuebingen Variant Classification Criteria Version 2. Collection method: clinical testing. Allele origin: germline. Affected: yes. Observed: 2 variant alleles.
Comment: SHROOM2: BP4, BS2

NM_001649.4(SHROOM2):c.2810G>A (p.Arg937Gln)

Gene: SHROOM2 (shroom family member 2; plus strand). Cytogenetic location: Xp22.2.
Variant type: single nucleotide variant.
Coding change: c.2810G>A on transcript NM_001649.4 (MANE Select); coding-DNA position 2810, G replaced by A.
Protein change: p.Arg937Gln; replaces arginine 937 with glutamine.
Molecular consequence: missense variant.
Genome position (GRCh38, 1-based): chrX:9,898,209, G>A. VCF-style: chrX-9898209-G-A. GRCh37 (hg19) VCF-style: chrX-9866249-G-A.
Other names: short protein forms R937Q.
Identifiers: ClinVar variation 2659957 (VCV002659957.24), dbSNP rs147695083, ClinGen allele CA10345628.